The following is an entry in ClinVar:

NM_001113378.2(FANCI):c.3725G>A (p.Arg1242Lys)

Gene: FANCI (FA complementation group I; plus strand). Cytogenetic location: 15q26.1.
Variant type: single nucleotide variant.
Coding change: c.3725G>A on transcript NM_001113378.2 (MANE Select); coding-DNA position 3725, G replaced by A.
Protein change: p.Arg1242Lys; replaces arginine 1242 with lysine.
Molecular consequence: missense variant.
Genome position (GRCh38, 1-based): chr15:89,314,616, G>A. VCF-style: chr15-89314616-G-A. GRCh37 (hg19) VCF-style: chr15-89857847-G-A.
Other names: c.3446G>A, p.Arg1149Lys (NM_001376910.1); c.3725G>A, p.Arg1242Lys (NM_001376911.1); c.3545G>A, p.Arg1182Lys (NM_018193.3); short protein forms R1242K, R1149K, R1182K.
Identifiers: ClinVar variation 1372070 (VCV001372070.8), dbSNP rs2055130158, ClinGen allele CA393743852.

ClinVar aggregate classification (germline): Uncertain significance (1 of 4 stars; one submission).

Conditions:
Fanconi anemia (FA). Also called: Fanconi's anemia. Identifiers: Orphanet 84, MedGen C0015625, MeSH D005199, MONDO:0019391.

Submission:

Labcorp Genetics (formerly Invitae), Labcorp
Classification: Uncertain significance for Fanconi anemia. Last evaluated: 2024-02-16. Review status: criteria provided, single submitter. Criteria: Invitae Variant Classification Sherloc (09022015). Collection method: clinical testing. Allele origin: germline.
Comment: This sequence change replaces arginine, which is basic and polar, with lysine, which is basic and polar, at codon 1242 of the FANCI protein (p.Arg1242Lys). This variant is not present in population databases (gnomAD no frequency). This variant has not been reported in the literature in individuals affected with FANCI-related conditions. ClinVar contains an entry for this variant (Variation ID: 1372070). Advanced modeling of protein sequence and biophysical properties (such as structural, functional, and spatial information, amino acid conservation, physicochemical variation, residue mobility, and thermodynamic stability) performed at Invitae indicates that this missense variant is not expected to disrupt FANCI protein function with a negative predictive value of 80%. In summary, the available evidence is currently insufficient to determine the role of this variant in disease. Therefore, it has been classified as a Variant of Uncertain Significance.